The following is an entry in ClinVar:

ClinVar aggregate classification (germline): Uncertain significance (1 of 4 stars; one submission).

Conditions:
Charcot-Marie-Tooth disease axonal type 2P. Also called: CHARCOT-MARIE-TOOTH NEUROPATHY, TYPE 2P; CHARCOT-MARIE-TOOTH DISEASE, AXONAL, TYPE 2G; CMT 2G; Charcot-Marie-Tooth Neuropathy Type 2G. Identifiers: Orphanet 300319, Orphanet 99941, MedGen C3280797, MONDO:0013753, OMIM 614436.

Allele frequency attached by ClinVar (database versions not stated): TOPMed below 0.00001; gnomAD 0.00001; gnomAD exomes 0.00001.
gnomAD v4.1: 8 of 1,613,596 alleles (0.0005%); highest among the groups gnomAD compares: South Asian, 0.0011%; no homozygotes.

Submission:

Labcorp Genetics (formerly Invitae), Labcorp
Classification: Uncertain significance for Charcot-Marie-Tooth disease axonal type 2P. Last evaluated: 2025-03-25. Review status: criteria provided, single submitter. Criteria: Invitae Variant Classification Sherloc (09022015). Collection method: clinical testing. Allele origin: germline.
Comment: This sequence change replaces aspartic acid, which is acidic and polar, with tyrosine, which is neutral and polar, at codon 87 of the LRSAM1 protein (p.Asp87Tyr). This variant is not present in population databases (gnomAD no frequency). This variant has not been reported in the literature in individuals affected with LRSAM1-related conditions. ClinVar contains an entry for this variant (Variation ID: 946727). Invitae Evidence Modeling of protein sequence and biophysical properties (such as structural, functional, and spatial information, amino acid conservation, physicochemical variation, residue mobility, and thermodynamic stability) indicates that this missense variant is expected to disrupt LRSAM1 protein function with a positive predictive value of 80%. In summary, the available evidence is currently insufficient to determine the role of this variant in disease. Therefore, it has been classified as a Variant of Uncertain Significance.

NM_001005373.4(LRSAM1):c.259G>T (p.Asp87Tyr)

Gene: LRSAM1 (leucine rich repeat and sterile alpha motif containing 1; plus strand). Cytogenetic location: 9q33.3.
Variant type: single nucleotide variant.
Coding change: c.259G>T on transcript NM_001005373.4 (MANE Select); coding-DNA position 259, G replaced by T.
Protein change: p.Asp87Tyr; replaces aspartic acid 87 with tyrosine.
Molecular consequence: missense variant. On other transcripts: 5 prime UTR variant (1), non-coding transcript variant (2).
Genome position (GRCh38, 1-based): chr9:127,459,009, G>T. VCF-style: chr9-127459009-G-T. GRCh37 (hg19) VCF-style: chr9-130221288-G-T.
Other names: c.259G>T, p.Asp87Tyr (NM_001005374.4, NM_001190723.3, NM_001384142.1 and 2 more transcripts); c.-526G>T (NM_001384144.1); short protein forms D87Y.
Identifiers: ClinVar variation 946727 (VCV000946727.9), dbSNP rs1172570035, ClinGen allele CA374965779.